The following is an entry in ClinVar:

ClinVar aggregate classification (germline): Likely benign (1 of 4 stars; one submission).

Submission:

CeGaT Center for Human Genetics Tuebingen
Classification: Likely benign. Last evaluated: 2025-07-01. Review status: criteria provided, single submitter. Criteria: CeGaT Center For Human Genetics Tuebingen Variant Classification Criteria Version 2. Collection method: clinical testing. Allele origin: germline. Affected: yes. Observed: 1 variant allele.
Comment: OR51A2: PP2, BP4, BS2

NM_001004748.1(OR51A2):c.200T>C (p.Met67Thr)

Genes: MMP26 (matrix metallopeptidase 26; plus strand), OR51A2 (olfactory receptor family 51 subfamily A member 2; minus strand). Cytogenetic location: 11p15.4.
Variant type: single nucleotide variant.
Coding change: c.200T>C on transcript NM_001004748.1 (MANE Select); coding-DNA position 200, T replaced by C.
Protein change: p.Met67Thr; replaces methionine 67 with threonine.
Molecular consequence: missense variant. On other transcripts: intron variant (2).
Genome position (GRCh38, 1-based): chr11:4,955,514, A>G on the plus strand (T>C on the coding strand, the complement: OR51A2 is on the minus strand). VCF-style: chr11-4955514-A-G. GRCh37 (hg19) VCF-style: chr11-4976744-A-G.
Other names: c.-144-32554A>G (NM_021801.5); c.-152-32756A>G (NM_001384608.1); short protein forms M67T.
Identifiers: ClinVar variation 4083645 (VCV004083645.8).